The following is an entry in ClinVar:

ClinVar aggregate classification (germline): Uncertain significance. Review status: criteria provided, multiple submitters, no conflicts (2 of 4 stars). 2 submissions from 2 submitters: Uncertain significance (2). Last evaluated 2025-02-25.

Conditions:
Hereditary cancer-predisposing syndrome. Also called: Hereditary Cancer Syndrome; Tumor predisposition; Neoplastic Syndromes, Hereditary; Hereditary neoplastic syndrome. Identifiers: Orphanet 140162, MedGen C0027672, MeSH D009386, MONDO:0015356.
Familial cancer of breast. Also called: BREAST CANCER, FAMILIAL; Hereditary breast cancer; hereditary breast carcinoma. Identifiers: Orphanet 227535, MedGen C0346153, MONDO:0016419, OMIM 114480. Disease mechanism: loss of function.

Submissions (2):

Ambry Genetics
Classification: Uncertain significance for Hereditary cancer-predisposing syndrome. Last evaluated: 2025-02-25. Review status: criteria provided, single submitter. Criteria: Ambry Variant Classification Scheme 2023. Collection method: clinical testing. Allele origin: germline.
Comment: The p.E188K variant (also known as c.562G>A), located in coding exon 3 of the CHEK2 gene, results from a G to A substitution at nucleotide position 562. The glutamic acid at codon 188 is replaced by lysine, an amino acid with similar properties. This amino acid position is conserved. In addition, this alteration is predicted to be deleterious by in silico analysis. Based on the available evidence, the clinical significance of this variant remains unclear.

Labcorp Genetics (formerly Invitae), Labcorp
Classification: Uncertain significance for Familial cancer of breast. Last evaluated: 2024-04-22. Review status: criteria provided, single submitter. Criteria: Invitae Variant Classification Sherloc (09022015). Collection method: clinical testing. Allele origin: germline.
Comment: This sequence change replaces glutamic acid, which is acidic and polar, with lysine, which is basic and polar, at codon 188 of the CHEK2 protein (p.Glu188Lys). This variant is not present in population databases (gnomAD no frequency). This variant has not been reported in the literature in individuals affected with CHEK2-related conditions. ClinVar contains an entry for this variant (Variation ID: 1011697). An algorithm developed to predict the effect of missense changes on protein structure and function (PolyPhen-2) suggests that this variant is likely to be disruptive. In summary, the available evidence is currently insufficient to determine the role of this variant in disease. Therefore, it has been classified as a Variant of Uncertain Significance.

NM_007194.4(CHEK2):c.562G>A (p.Glu188Lys)

Gene: CHEK2 (checkpoint kinase 2; minus strand). Cytogenetic location: 22q12.1.
Variant type: single nucleotide variant.
Coding change: c.562G>A on transcript NM_007194.4 (MANE Select); coding-DNA position 562, G replaced by A.
Protein change: p.Glu188Lys; replaces glutamic acid 188 with lysine.
Molecular consequence: missense variant. On other transcripts: 5 prime UTR variant (2), intron variant (1).
Genome position (GRCh38, 1-based): chr22:28,725,007, C>T on the plus strand (G>A on the coding strand, the complement: CHEK2 is on the minus strand). VCF-style: chr22-28725007-C-T. GRCh37 (hg19) VCF-style: chr22-29120995-C-T.
Other names: c.691G>A, p.Glu231Lys (NM_001005735.3, NM_001438294.1); c.-216G>A (NM_001257387.3); c.-102G>A (NM_001437942.1); c.655G>A, p.Glu219Lys (NM_001438293.1, NM_001438295.1); c.562G>A, p.Glu188Lys (NM_145862.3); c.445-84G>A (NM_001349956.3); short protein forms E188K, E231K, E219K.
Identifiers: ClinVar variation 1011697 (VCV001011697.10), dbSNP rs2053938596, ClinGen allele CA411107117.